The following is an entry in ClinVar:

ClinVar aggregate classification (germline): Uncertain significance (1 of 4 stars; one submission).

Conditions:
Nephronophthisis. Also called: Juvenile Nephronophthisis. Identifiers: Orphanet 655, MedGen C0687120, MONDO:0019005, HP:0000090.

Allele frequency attached by ClinVar (database versions not stated): gnomAD exomes below 0.00001; gnomAD 0.00004; TOPMed 0.00006; ESP Exome Variant Server 0.00008.

Submission:

Labcorp Genetics (formerly Invitae), Labcorp
Classification: Uncertain significance for Nephronophthisis. Last evaluated: 2021-12-20. Review status: criteria provided, single submitter. Criteria: Invitae Variant Classification Sherloc (09022015). Collection method: clinical testing. Allele origin: germline.
Comment: This sequence change replaces proline, which is neutral and non-polar, with arginine, which is basic and polar, at codon 552 of the NPHP3 protein (p.Pro552Arg). This variant is present in population databases (rs375776149, gnomAD 0.007%). This variant has not been reported in the literature in individuals affected with NPHP3-related conditions. Algorithms developed to predict the effect of missense changes on protein structure and function are either unavailable or do not agree on the potential impact of this missense change (SIFT: "Deleterious"; PolyPhen-2: "Probably Damaging"; Align-GVGD: "Class C0"). In summary, the available evidence is currently insufficient to determine the role of this variant in disease. Therefore, it has been classified as a Variant of Uncertain Significance.

NM_153240.5(NPHP3):c.1655C>G (p.Pro552Arg)

Genes: NPHP3 (nephrocystin 3; minus strand), NPHP3-ACAD11 (NPHP3-ACAD11 readthrough (NMD candidate); minus strand). Cytogenetic location: 3q22.1.
Variant type: single nucleotide variant.
Coding change: c.1655C>G on transcript NM_153240.5 (MANE Select); coding-DNA position 1655, C replaced by G.
Protein change: p.Pro552Arg; replaces proline 552 with arginine.
Molecular consequence: missense variant. On other transcripts: non-coding transcript variant (1).
Genome position (GRCh38, 1-based): chr3:132,700,422, G>C on the plus strand (C>G on the coding strand, the complement: NPHP3 is on the minus strand). VCF-style: chr3-132700422-G-C. GRCh37 (hg19) VCF-style: chr3-132419266-G-C.
Other names: short protein forms P552R.
Identifiers: ClinVar variation 1471429 (VCV001471429.5), dbSNP rs375776149, ClinGen allele CA83592871.